The following is an entry in ClinVar:

ClinVar aggregate classification (germline): Pathogenic. Review status: criteria provided, single submitter (1 of 4 stars). 2 submissions from 1 submitter: Pathogenic (2). Last evaluated 2019-12-09.

Conditions:
Melnick-Fraser syndrome (BOR). Also called: Branchiootorenal syndrome; Branchio-oto-renal syndrome; Branchiootorenal Syndrome (BORS). Identifiers: Orphanet 107, MedGen C0265234, MONDO:0007029.
Branchiootorenal syndrome 1. Also called: Branchio-Oto-Renal Syndrome 1. Identifiers: Orphanet 107, MedGen C4551702, MONDO:0007236, OMIM 113650.

Submissions (2):

Labcorp Genetics (formerly Invitae), Labcorp
Classification: Pathogenic for Melnick-Fraser syndrome. Last evaluated: 2019-12-09. Review status: criteria provided, single submitter. Criteria: Invitae Variant Classification Sherloc (09022015). Collection method: clinical testing. Allele origin: germline.
Comment: This variant is an in-frame deletion of the genomic region encompassing exon(s) 12 of the EYA1 gene. It preserves the integrity of the reading frame. Similar deletions have been observed in individual(s) with branchiootorenal spectrum disorders (PMID: 29500469, 30937553, 20848651, Invitae). Experimental studies and prediction algorithms are not available or were not evaluated, and the functional significance of this variant is currently unknown. For these reasons, this variant has been classified as Pathogenic.

Labcorp Genetics (formerly Invitae), Labcorp
Classification: Pathogenic for Melnick-Fraser syndrome. Last evaluated: 2019-12-02. Review status: criteria provided, single submitter. Criteria: Invitae Variant Classification Sherloc (09022015). Collection method: clinical testing. Allele origin: germline.
Comment: Experimental studies and prediction algorithms are not available or were not evaluated, and the functional significance of this variant is currently unknown. For these reasons, this variant has been classified as Pathogenic. Similar deletions have been observed in individual(s) with branchiootorenal spectrum disorders (PMID: 29500469, 30937553, 20848651, Invitae). This variant is an in-frame deletion of the genomic region encompassing exon(s) 12 of the EYA1 gene. It preserves the integrity of the reading frame.

Literature cited by the submitters: PubMed 20848651; PubMed 30937553; PubMed 29500469.

NC_000008.11:g.(?_71244583)_(71244712_?)del

Gene: EYA1 (EYA transcriptional coactivator and phosphatase 1; minus strand). Cytogenetic location: 8q13.3.
Variant type: Deletion.
Identifiers: ClinVar variation 831405 (VCV000831405.6).